The following is an entry in ClinVar:

NM_198123.2(CSMD3):c.3075T>C (p.Asp1025=)

Gene: CSMD3 (CUB and Sushi multiple domains 3; minus strand). Cytogenetic location: 8q23.3.
Variant type: single nucleotide variant.
Coding change: c.3075T>C on transcript NM_198123.2 (MANE Select); coding-DNA position 3075, T replaced by C.
Protein change: p.Asp1025=; no amino-acid change (aspartic acid 1025 retained).
Molecular consequence: synonymous variant.
Genome position (GRCh38, 1-based): chr8:112,650,279, A>G on the plus strand (T>C on the coding strand, the complement: CSMD3 is on the minus strand). VCF-style: chr8-112650279-A-G. GRCh37 (hg19) VCF-style: chr8-113662508-A-G.
Other names: c.2685T>C, p.Asp895= (NM_001363185.1); c.2763T>C, p.Asp921= (NM_052900.3); c.2955T>C, p.Asp985= (NM_198124.2).
Identifiers: ClinVar variation 776377 (VCV000776377.6), dbSNP rs7839690, ClinGen allele CA4850529.

ClinVar aggregate classification (germline): Benign. Review status: criteria provided, multiple submitters, no conflicts (2 of 4 stars). 3 submissions from 3 submitters: Benign (2). 1 of the submissions does not count toward it. Last evaluated 2018-11-20.

Conditions:
CSMD3-related disorder. Also called: CSMD3-related condition.

Allele frequency attached by ClinVar (database versions not stated): gnomAD exomes 0.00647; ExAC 0.00775; gnomAD 0.02393 and 0.02564; ESP Exome Variant Server 0.02430; 1000 Genomes Project 0.02636; TOPMed 0.02659; 1000 Genomes Project 30x 0.02858.
gnomAD v4.1: 7,462 of 1,613,876 alleles (0.46%); highest among the groups gnomAD compares: African/African-American, 8.4%; 297 homozygotes.

Submissions (3):

Labcorp Genetics (formerly Invitae), Labcorp
Classification: Benign. Last evaluated: 2018-11-20. Review status: criteria provided, single submitter. Criteria: Invitae Variant Classification Sherloc (09022015). Collection method: clinical testing. Allele origin: germline.

Breakthrough Genomics
Classification: Benign. Review status: criteria provided, single submitter. Criteria: ACMG Guidelines, 2015. Collection method: not provided. Allele origin: germline. Inheritance: Unknown mechanism. Affected: yes.

PreventionGenetics, part of Exact Sciences
Classification: Benign for CSMD3-related condition. Last evaluated: 2019-02-21. Review status: no assertion criteria provided. Collection method: clinical testing. Allele origin: germline. Not counted in ClinVar's aggregate classification.
Comment: This variant is classified as benign based on ACMG/AMP sequence variant interpretation guidelines (Richards et al. 2015 PMID: 25741868, with internal and published modifications).